The following is an entry in ClinVar:

NM_001367624.2(ZNF469):c.2574G>C (p.Pro858=)

Gene: ZNF469 (zinc finger protein 469; plus strand). Cytogenetic location: 16q24.2.
Variant type: single nucleotide variant.
Coding change: c.2574G>C on transcript NM_001367624.2 (MANE Select); coding-DNA position 2574, G replaced by C.
Protein change: p.Pro858=; no amino-acid change (proline 858 retained).
Molecular consequence: synonymous variant.
Genome position (GRCh38, 1-based): chr16:88,430,044, G>C. VCF-style: chr16-88430044-G-C. GRCh37 (hg19) VCF-style: chr16-88496452-G-C.
Other names: NM_001127464.1:c.2574G>C; NM_001127464.2:c.2574G>C; p.Pro858=.
Identifiers: ClinVar variation 320887 (VCV000320887.25), dbSNP rs74384633, ClinGen allele CA8224783.

ClinVar aggregate classification (germline): Benign/Likely benign. Review status: criteria provided, multiple submitters, no conflicts (2 of 4 stars). 8 submissions from 8 submitters: Benign (6); Likely benign (2). Last evaluated 2026-03-31.

Conditions:
Cardiovascular phenotype. Identifiers: MedGen CN230736.
Ehlers-Danlos syndrome (EDS). Identifiers: Orphanet 98249, MedGen C0013720, MONDO:0020066.
Brittle cornea syndrome 1 (BCS1). Also called: Corneal fragility keratoglobus, blue sclerae AND joint hypermobility; DYSGENESIS MESODERMALIS CORNEAE ET SCLERAE; CORNEAL FRAGILITY, KERATOGLOBUS, BLUE SCLERAE, JOINT HYPEREXTENSIBILITY; EDS6B; FRAGILITAS OCULI WITH JOINT HYPEREXTENSIBILITY. Identifiers: Orphanet 90354, MedGen C0268344, MONDO:0024543, OMIM 229200.

Allele frequency attached by ClinVar (database versions not stated): ExAC 0.00327; gnomAD 0.01078 and 0.01153; 1000 Genomes Project 0.01218; 1000 Genomes Project 30x 0.01280.
gnomAD v4.1: 3,273 of 1,550,366 alleles (0.21%); highest among the groups gnomAD compares: African/African-American, 3.7%; 52 homozygotes.

Submissions (8):

Women's Health and Genetics/Laboratory Corporation of America, LabCorp
Classification: Likely benign. Last evaluated: 2026-03-31. Review status: criteria provided, single submitter. Criteria: LabCorp Variant Classification Summary - May 2015. Collection method: clinical testing. Allele origin: germline.

Labcorp Genetics (formerly Invitae), Labcorp
Classification: Benign. Last evaluated: 2026-02-04. Review status: criteria provided, single submitter. Criteria: Invitae Variant Classification Sherloc (09022015). Collection method: clinical testing. Allele origin: germline.

Mayo Clinic Laboratories, Mayo Clinic
Classification: Benign. Last evaluated: 2023-04-24. Review status: criteria provided, single submitter. Criteria: ACMG Guidelines, 2015. Collection method: clinical testing. Allele origin: germline. Observed: 11 variant alleles.
Comment: BS1, BS2, BP4, BP7

Genome Diagnostics Laboratory, The Hospital for Sick Children
Classification: Benign for Ehlers-Danlos syndrome. Last evaluated: 2022-06-13. Review status: criteria provided, single submitter. Criteria: ACMG Guidelines, 2015. Collection method: clinical testing. Allele origin: germline.

Genome-Nilou Lab
Classification: Benign for Brittle cornea syndrome 1. Last evaluated: 2021-12-05. Review status: criteria provided, single submitter. Criteria: ACMG Guidelines, 2015. Collection method: clinical testing. Allele origin: germline. Affected: no.

Ambry Genetics
Classification: Benign for Cardiovascular phenotype. Last evaluated: 2019-05-15. Review status: criteria provided, single submitter. Criteria: Ambry Variant Classification Scheme 2023. Collection method: clinical testing. Allele origin: germline.

GeneDx
Classification: Benign. Last evaluated: 2019-03-11. Review status: criteria provided, single submitter. Criteria: GeneDx Variant Classification Process June 2021. Collection method: clinical testing. Allele origin: germline. Affected: yes.

Breakthrough Genomics
Classification: Likely benign. Review status: criteria provided, single submitter. Criteria: ACMG Guidelines, 2015. Collection method: not provided. Allele origin: germline. Inheritance: Autosomal recessive inheritance. Affected: yes.